The following is an entry in ClinVar:

NM_020738.4(KIDINS220):c.2229+6C>A

Gene: KIDINS220 (kinase D interacting substrate 220; minus strand). Cytogenetic location: 2p25.1.
Variant type: single nucleotide variant.
Coding change: c.2229+6C>A on transcript NM_020738.4 (MANE Select); 6 bases into the intron after coding-DNA position 2229, C replaced by A.
Molecular consequence: intron variant.
Genome position (GRCh38, 1-based): chr2:8,785,735, G>T on the plus strand (C>A on the coding strand, the complement: KIDINS220 is on the minus strand). VCF-style: chr2-8785735-G-T. GRCh37 (hg19) VCF-style: chr2-8925865-G-T.
Other names: c.2229+6C>A (NM_001348742.2, NM_001348743.2, NM_001348735.2 and 4 more transcripts); c.2232+6C>A (NM_001348740.2, NM_001348734.2, NM_001348731.2 and 3 more transcripts); c.2103+6C>A (NM_001348736.2).
Identifiers: ClinVar variation 2984692 (VCV002984692.4), dbSNP rs770317658, ClinGen allele CA1520028.

ClinVar aggregate classification (germline): Uncertain significance. Review status: criteria provided, single submitter (1 of 4 stars). 2 submissions from 2 submitters: Uncertain significance (1). 1 of the submissions does not count toward it. Last evaluated 2023-02-08.

Conditions:
KIDINS220-related disorder. Also called: KIDINS220-related condition.

Allele frequency attached by ClinVar (database versions not stated): gnomAD exomes below 0.00001; ExAC 0.00001.
gnomAD v4.1: 14 of 1,603,080 alleles (0.00087%); highest among the groups gnomAD compares: African/African-American, 0.016%; no homozygotes.

Submissions (2):

Labcorp Genetics (formerly Invitae), Labcorp
Classification: Uncertain significance. Last evaluated: 2023-02-08. Review status: criteria provided, single submitter. Criteria: Invitae Variant Classification Sherloc (09022015). Collection method: clinical testing. Allele origin: germline.
Comment: This sequence change falls in intron 17 of the KIDINS220 gene. It does not directly change the encoded amino acid sequence of the KIDINS220 protein. It affects a nucleotide within the consensus splice site. This variant is present in population databases (rs770317658, gnomAD 0.01%). This variant has not been reported in the literature in individuals affected with KIDINS220-related conditions. Variants that disrupt the consensus splice site are a relatively common cause of aberrant splicing (PMID: 17576681, 9536098). Algorithms developed to predict the effect of sequence changes on RNA splicing suggest that this variant is not likely to affect RNA splicing. In summary, the available evidence is currently insufficient to determine the role of this variant in disease. Therefore, it has been classified as a Variant of Uncertain Significance.

PreventionGenetics, part of Exact Sciences
Classification: Likely benign for KIDINS220-related condition. Last evaluated: 2023-05-09. Review status: no assertion criteria provided. Collection method: clinical testing. Allele origin: germline. Not counted in ClinVar's aggregate classification.
Comment: This variant is classified as likely benign based on ACMG/AMP sequence variant interpretation guidelines (Richards et al. 2015 PMID: 25741868, with internal and published modifications).

Literature cited by the submitters: PubMed 17576681 (cited by Labcorp Genetics (formerly Invitae), Labcorp); PubMed 9536098 (cited by Labcorp Genetics (formerly Invitae), Labcorp).